The following is an entry in ClinVar:

NM_005866.4(SIGMAR1):c.59C>A (p.Ala20Glu)

Genes: SIGMAR1 (sigma receptor chaperone 1; minus strand), LOC130001681 (ATAC-STARR-seq lymphoblastoid silent region 19853; plus strand). Cytogenetic location: 9p13.3.
Variant type: single nucleotide variant.
Coding change: c.59C>A on transcript NM_005866.4 (MANE Select); coding-DNA position 59, C replaced by A.
Protein change: p.Ala20Glu; replaces alanine 20 with glutamic acid.
Molecular consequence: missense variant. On other transcripts: 5 prime UTR variant (1), non-coding transcript variant (1).
Genome position (GRCh38, 1-based): chr9:34,637,639, G>T on the plus strand (C>A on the coding strand, the complement: SIGMAR1 is on the minus strand). VCF-style: chr9-34637639-G-T. GRCh37 (hg19) VCF-style: chr9-34637636-G-T.
Other names: c.59C>A, p.Ala20Glu (NM_001282205.2, NM_001282207.2, NM_001282208.2 and 2 more transcripts); c.-195C>A (NM_001282206.2); c.59C>A (NM_005866.2); short protein forms A20E.
Identifiers: ClinVar variation 951820 (VCV000951820.11), dbSNP rs1406092949, ClinGen allele CA373275733.

ClinVar aggregate classification (germline): Uncertain significance. Review status: criteria provided, multiple submitters, no conflicts (2 of 4 stars). 2 submissions from 2 submitters: Uncertain significance (2). Last evaluated 2021-08-12.

Conditions:
Autosomal recessive distal spinal muscular atrophy 2. Also called: NEURONOPATHY, DISTAL HEREDITARY MOTOR, JERASH TYPE; NEUROPATHY, DISTAL HEREDITARY MOTOR, JERASH TYPE; SPINAL MUSCULAR ATROPHY, JERASH TYPE; NEUROPATHY, DISTAL HEREDITARY MOTOR, AUTOSOMAL RECESSIVE 2; Hereditary motor neuropathy, Jerash type; Motor neuropathy, distal, Jerash type. Identifiers: Orphanet 139552, MedGen C1854023, MONDO:0011585, OMIM 605726.
Amyotrophic lateral sclerosis type 16. Also called: AMYOTROPHIC LATERAL SCLEROSIS 16, JUVENILE. Identifiers: Orphanet 300605, MedGen C3280587, MONDO:0013715, OMIM 614373.
Inborn genetic diseases. Identifiers: MedGen C0950123, MeSH D030342.

Submissions (2):

Ambry Genetics
Classification: Uncertain significance for Inborn genetic diseases. Last evaluated: 2021-08-12. Review status: criteria provided, single submitter. Criteria: Ambry Variant Classification Scheme 2023. Collection method: clinical testing. Allele origin: germline.

Labcorp Genetics (formerly Invitae), Labcorp
Classification: Uncertain significance for Autosomal recessive distal spinal muscular atrophy 2; Amyotrophic lateral sclerosis type 16. Last evaluated: 2019-07-26. Review status: criteria provided, single submitter. Criteria: Invitae Variant Classification Sherloc (09022015). Collection method: clinical testing. Allele origin: germline.
Comment: In summary, the available evidence is currently insufficient to determine the role of this variant in disease. Therefore, it has been classified as a Variant of Uncertain Significance. Algorithms developed to predict the effect of missense changes on protein structure and function are either unavailable or do not agree on the potential impact of this missense change (SIFT: "Tolerated"; PolyPhen-2: "Probably Damaging"; Align-GVGD: "Class C0"). This variant has not been reported in the literature in individuals with SIGMAR1-related conditions. The frequency data for this variant in the population databases is considered unreliable, as metrics indicate insufficient coverage at this position in the ExAC database. This sequence change replaces alanine with glutamic acid at codon 20 of the SIGMAR1 protein (p.Ala20Glu). The alanine residue is moderately conserved and there is a moderate physicochemical difference between alanine and glutamic acid.